The following is an entry in ClinVar:

NM_032638.5(GATA2):c.188C>T (p.Pro63Leu)

Gene: GATA2 (GATA binding protein 2; minus strand). Cytogenetic location: 3q21.3.
Variant type: single nucleotide variant.
Coding change: c.188C>T on transcript NM_032638.5 (MANE Select); coding-DNA position 188, C replaced by T.
Protein change: p.Pro63Leu; replaces proline 63 with leucine.
Molecular consequence: missense variant.
Genome position (GRCh38, 1-based): chr3:128,486,844, G>A on the plus strand (C>T on the coding strand, the complement: GATA2 is on the minus strand). VCF-style: chr3-128486844-G-A. GRCh37 (hg19) VCF-style: chr3-128205687-G-A.
Other names: c.188C>T, p.Pro63Leu (NM_001145661.2, NM_001145662.1); short protein forms P63L.
Identifiers: ClinVar variation 1371206 (VCV001371206.8), dbSNP rs1576749724, ClinGen allele CA354408381.

ClinVar aggregate classification (germline): Uncertain significance (1 of 4 stars; one submission).

Conditions:
Deafness-lymphedema-leukemia syndrome. Also called: Emberger syndrome; Lymphedema, primary, with myelodysplasia. Identifiers: Orphanet 3226, MedGen C3279664, MONDO:0013540, OMIM 614038.
Monocytopenia with susceptibility to infections. Also called: MONOCYTOPENIA AND MYCOBACTERIAL INFECTION SYNDROME; MONOCYTOPENIA WITH SUSCEPTIBILITY TO MYCOBACTERIAL, FUNGAL, AND PAPILLOMAVIRUS INFECTIONS AND MYELODYSPLASIA; COMBINED IMMUNODEFICIENCY WITH SUSCEPTIBILITY TO MYCOBACTERIAL, VIRAL, AND FUNGAL INFECTIONS; IMMUNODEFICIENCY 21; GATA2 DEFICIENCY; Dendritic cell, monocyte, B lymphocyte, and natural killer lymphocyte deficiency. Identifiers: Orphanet 228423, MedGen C3280030, MONDO:0013607, OMIM 614172.

Submission:

Labcorp Genetics (formerly Invitae), Labcorp
Classification: Uncertain significance for Monocytopenia with susceptibility to infections; Deafness-lymphedema-leukemia syndrome. Last evaluated: 2024-04-15. Review status: criteria provided, single submitter. Criteria: Invitae Variant Classification Sherloc (09022015). Collection method: clinical testing. Allele origin: germline.
Comment: This sequence change replaces proline, which is neutral and non-polar, with leucine, which is neutral and non-polar, at codon 63 of the GATA2 protein (p.Pro63Leu). This variant is not present in population databases (gnomAD no frequency). This variant has not been reported in the literature in individuals affected with GATA2-related conditions. ClinVar contains an entry for this variant (Variation ID: 1371206). Advanced modeling of protein sequence and biophysical properties (such as structural, functional, and spatial information, amino acid conservation, physicochemical variation, residue mobility, and thermodynamic stability) performed at Invitae indicates that this missense variant is not expected to disrupt GATA2 protein function with a negative predictive value of 95%. In summary, the available evidence is currently insufficient to determine the role of this variant in disease. Therefore, it has been classified as a Variant of Uncertain Significance.